The following is an entry in ClinVar:

ClinVar aggregate classification (germline): Uncertain significance (1 of 4 stars; one submission).

Conditions:
Familial adenomatous polyposis 1 (FAP1). Also called: FAMILIAL ADENOMATOUS POLYPOSIS 1, ATTENUATED; POLYPOSIS, ADENOMATOUS INTESTINAL. Identifiers: MedGen C2713442, MONDO:0021056, OMIM 175100. Disease mechanism: loss of function.

Submission:

Labcorp Genetics (formerly Invitae), Labcorp
Classification: Uncertain significance for Familial adenomatous polyposis 1. Last evaluated: 2025-06-10. Review status: criteria provided, single submitter. Criteria: Invitae Variant Classification Sherloc (09022015). Collection method: clinical testing. Allele origin: germline.
Comment: This sequence change replaces aspartic acid, which is acidic and polar, with histidine, which is basic and polar, at codon 1569 of the APC protein (p.Asp1569His). This variant is not present in population databases (gnomAD no frequency). This variant has not been reported in the literature in individuals affected with APC-related conditions. Invitae Evidence Modeling of protein sequence and biophysical properties (such as structural, functional, and spatial information, amino acid conservation, physicochemical variation, residue mobility, and thermodynamic stability) indicates that this missense variant is not expected to disrupt APC protein function with a negative predictive value of 95%. In summary, the available evidence is currently insufficient to determine the role of this variant in disease. Therefore, it has been classified as a Variant of Uncertain Significance.

NM_000038.6(APC):c.4705G>C (p.Asp1569His)

Gene: APC (APC regulator of Wnt signaling pathway; plus strand). Cytogenetic location: 5q22.2.
Variant type: single nucleotide variant.
Coding change: c.4705G>C on transcript NM_000038.6 (MANE Select); coding-DNA position 4705, G replaced by C.
Protein change: p.Asp1569His; replaces aspartic acid 1569 with histidine.
Molecular consequence: missense variant. On other transcripts: non-coding transcript variant (2).
Genome position (GRCh38, 1-based): chr5:112,840,299, G>C. VCF-style: chr5-112840299-G-C. GRCh37 (hg19) VCF-style: chr5-112175996-G-C.
Other names: c.4225G>C, p.Asp1409His (NM_001354905.2); c.3856G>C, p.Asp1286His (NM_001354906.2, NM_001407470.1); c.4789G>C, p.Asp1597His (NM_001407446.1); c.4759G>C, p.Asp1587His (NM_001407447.1, NM_001407448.1, NM_001407449.1 and 1 more transcripts); c.4705G>C, p.Asp1569His (NM_001407450.1, NM_001127510.3, NM_001354895.2); c.4684G>C, p.Asp1562His (NM_001407451.1); c.4675G>C, p.Asp1559His (NM_001407452.1); c.4528G>C, p.Asp1510His (NM_001407453.1, NM_001354901.2); and 11 more; short protein forms D1185H, D1286H, D1409H, D1440H, D1443H, D1468H, D1478H, D1486H.
Identifiers: ClinVar variation 4801488 (VCV004801488.1).